The following is an entry in ClinVar:

NM_012186.3(FOXE3):c.586G>A (p.Gly196Ser)

Genes: FOXE3 (forkhead box E3; plus strand), LINC01389 (long independently transcribed non-coding RNA 1389; minus strand). Cytogenetic location: 1p33.
Variant type: single nucleotide variant.
Coding change: c.586G>A on transcript NM_012186.3 (MANE Select); coding-DNA position 586, G replaced by A.
Protein change: p.Gly196Ser; replaces glycine 196 with serine.
Molecular consequence: missense variant.
Genome position (GRCh38, 1-based): chr1:47,416,901, G>A. VCF-style: chr1-47416901-G-A. GRCh37 (hg19) VCF-style: chr1-47882573-G-A.
Other names: short protein forms G196S.
Identifiers: ClinVar variation 1969496 (VCV001969496.5), dbSNP rs1169855319, ClinGen allele CA340250295.

ClinVar aggregate classification (germline): Uncertain significance (1 of 4 stars; one submission).

Conditions:
Anterior segment dysgenesis. Also called: Ocular anterior segment dysgenesis. Identifiers: Orphanet 88632, MedGen C1862839, MONDO:0019503, HP:0007700.
Congenital primary aphakia. Also called: ANTERIOR SEGMENT DYSGENESIS 2; Anterior segment dysgenesis 2, multiple subtypes. Identifiers: Orphanet 83461, MedGen C1853230, MONDO:0012456, OMIM 610256.

Allele frequency attached by ClinVar (database versions not stated): TOPMed below 0.00001.

Submission:

Labcorp Genetics (formerly Invitae), Labcorp
Classification: Uncertain significance for Anterior segment dysgenesis; Congenital primary aphakia. Last evaluated: 2022-07-19. Review status: criteria provided, single submitter. Criteria: Invitae Variant Classification Sherloc (09022015). Collection method: clinical testing. Allele origin: germline.
Comment: This sequence change replaces glycine, which is neutral and non-polar, with serine, which is neutral and polar, at codon 196 of the FOXE3 protein (p.Gly196Ser). This variant is not present in population databases (gnomAD no frequency). This variant has not been reported in the literature in individuals affected with FOXE3-related conditions. Algorithms developed to predict the effect of missense changes on protein structure and function are either unavailable or do not agree on the potential impact of this missense change (SIFT: "Tolerated"; PolyPhen-2: "Possibly Damaging"; Align-GVGD: "Class C0"). In summary, the available evidence is currently insufficient to determine the role of this variant in disease. Therefore, it has been classified as a Variant of Uncertain Significance.